The following is an entry in ClinVar:

NM_000191.3(HMGCL):c.734C>T (p.Thr245Ile)

Gene: HMGCL (3-hydroxy-3-methylglutaryl-CoA lyase; minus strand). Cytogenetic location: 1p36.11.
Variant type: single nucleotide variant.
Coding change: c.734C>T on transcript NM_000191.3 (MANE Select); coding-DNA position 734, C replaced by T.
Protein change: p.Thr245Ile; replaces threonine 245 with isoleucine.
Molecular consequence: missense variant.
Genome position (GRCh38, 1-based): chr1:23,808,151, G>A on the plus strand (C>T on the coding strand, the complement: HMGCL is on the minus strand). VCF-style: chr1-23808151-G-A. GRCh37 (hg19) VCF-style: chr1-24134641-G-A.
Other names: c.521C>T, p.Thr174Ile (NM_001166059.2); short protein forms T245I, T174I.
Identifiers: ClinVar variation 296849 (VCV000296849.13), dbSNP rs761468576, ClinGen allele CA685997.
Genomic context (GRCh38, chr1:23,808,151, plus strand): 5'-GCCCACCGTGACCTTTGGGAGAATGGGCATATGCTTTTGATTACCTGCAGGGCCATCAAG[G>A]TGTTGGCCAGGGCTTGACCATAGGTGTCATGGCAGTGGACAGCCAGGGCAGCCAGAGGCA-3'
Protein context (NP_000182.2, residues 235-255): HDTYGQALAN[Thr245Ile]LMALQMGVSV

ClinVar aggregate classification (germline): Uncertain significance. Review status: criteria provided, multiple submitters, no conflicts (2 of 4 stars). 4 submissions from 4 submitters: Uncertain significance (4). Last evaluated 2023-04-11.

Conditions:
Deficiency of hydroxymethylglutaryl-CoA lyase (HMGCLD). Also called: HMGCL DEFICIENCY; HYDROXYMETHYLGLUTARIC ACIDURIA; Defect in leucine metabolism; 3-hydroxy-3-methylglutaric aciduria; HMG-CoA LYASE DEFICIENCY. Identifiers: Orphanet 20, MedGen C1533587, MONDO:0009520, OMIM 246450.

Allele frequency attached by ClinVar (database versions not stated): ExAC 0.00001; TOPMed 0.00001; gnomAD exomes 0.00002.
gnomAD v4.1: 7 of 1,614,040 alleles (0.00043%); highest among the groups gnomAD compares: Admixed American, 0.01%; no homozygotes.

Submissions (4):

Genome-Nilou Lab
Classification: Uncertain significance for Deficiency of hydroxymethylglutaryl-CoA lyase. Last evaluated: 2023-04-11. Review status: criteria provided, single submitter. Criteria: ACMG Guidelines, 2015. Collection method: clinical testing. Allele origin: germline. Affected: no.

GeneDx
Classification: Uncertain significance. Last evaluated: 2022-07-27. Review status: criteria provided, single submitter. Criteria: GeneDx Variant Classification Process June 2021. Collection method: clinical testing. Allele origin: germline. Affected: yes.
Comment: In silico analysis supports that this missense variant does not alter protein structure/function; Has not been previously published as pathogenic or benign to our knowledge

Labcorp Genetics (formerly Invitae), Labcorp
Classification: Uncertain significance for Deficiency of hydroxymethylglutaryl-CoA lyase. Last evaluated: 2022-06-17. Review status: criteria provided, single submitter. Criteria: Invitae Variant Classification Sherloc (09022015). Collection method: clinical testing. Allele origin: germline.
Comment: This sequence change replaces threonine, which is neutral and polar, with isoleucine, which is neutral and non-polar, at codon 245 of the HMGCL protein (p.Thr245Ile). This variant is present in population databases (rs761468576, gnomAD 0.02%). This variant has not been reported in the literature in individuals affected with HMGCL-related conditions. ClinVar contains an entry for this variant (Variation ID: 296849). Algorithms developed to predict the effect of missense changes on protein structure and function output the following: SIFT: "Tolerated"; PolyPhen-2: "Benign"; Align-GVGD: "Class C0". The isoleucine amino acid residue is found in multiple mammalian species, which suggests that this missense change does not adversely affect protein function. In summary, the available evidence is currently insufficient to determine the role of this variant in disease. Therefore, it has been classified as a Variant of Uncertain Significance.

Illumina Laboratory Services, Illumina
Classification: Uncertain significance for Deficiency of hydroxymethylglutaryl-CoA lyase. Last evaluated: 2018-01-13. Review status: criteria provided, single submitter. Criteria: ICSL Variant Classification Criteria 13 December 2019. Collection method: clinical testing. Allele origin: germline.